The following is an entry in ClinVar:

ClinVar aggregate classification (germline): Benign/Likely benign. Review status: criteria provided, multiple submitters, no conflicts (2 of 4 stars). 10 submissions from 8 submitters: Benign (6); Likely benign (2). 2 of the submissions do not count toward it. Last evaluated 2026-02-04.

Conditions:
Endocardial fibroelastosis (EFE). Identifiers: Orphanet 2022, MedGen C0014117, MONDO:0009169, OMIM 226000, HP:0001706.
3-Methylglutaconic aciduria type 2 (BTHS). Also called: Barth syndrome; CARDIOSKELETAL MYOPATHY WITH NEUTROPENIA AND ABNORMAL MITOCHONDRIA. Identifiers: Orphanet 111, MedGen C0574083, MONDO:0010543, OMIM 302060.
Primary dilated cardiomyopathy (DCM). Also called: Dilated Cardiomyopathy. Identifiers: Orphanet 217604, MedGen C0007193, MeSH D002311, MONDO:0005021, HP:0001644. Inheritance: Various modes of inheritance.

Allele frequency attached by ClinVar (database versions not stated): gnomAD exomes 0.00019 and 0.00064; ExAC 0.00084; 1000 Genomes Project 30x 0.00166; 1000 Genomes Project 0.00185; gnomAD 0.00191 and 0.00206; TOPMed 0.00212; ESP Exome Variant Server 0.00303.
gnomAD v4.1: 429 of 1,209,512 alleles (0.035%); highest among the groups gnomAD compares: African/African-American, 0.64%; no homozygotes.

Submissions (10):

Labcorp Genetics (formerly Invitae), Labcorp
Classification: Benign for 3-Methylglutaconic aciduria type 2. Last evaluated: 2026-02-04. Review status: criteria provided, single submitter. Criteria: Invitae Variant Classification Sherloc (09022015). Collection method: clinical testing. Allele origin: germline.

Blueprint Genetics
Classification: Likely benign. Last evaluated: 2024-09-19. Review status: criteria provided, single submitter. Criteria: ACMG Guidelines, 2015. Collection method: clinical testing. Allele origin: germline.

Women's Health and Genetics/Laboratory Corporation of America, LabCorp
Classification: Benign. Last evaluated: 2019-09-02. Review status: criteria provided, single submitter. Criteria: LabCorp Variant Classification Summary - May 2015. Collection method: clinical testing. Allele origin: germline.
Comment: Variant summary: TAZ c.646+14C>T alters a non-conserved nucleotide located close to a canonical splice site and therefore could affect mRNA splicing, leading to a significantly altered protein sequence. 4/4 computational tools predict no significant impact on normal splicing. However, these predictions have yet to be confirmed by functional studies. The variant allele was found at a frequency of 0.00064 in 183439 control chromosomes, predominantly at a frequency of 0.0071 within the African or African-American subpopulation in the gnomAD database. The observed variant frequency within African or African-American control individuals in the gnomAD database is approximately 3.2 fold of the estimated maximal expected allele frequency for a pathogenic variant in TAZ causing Barth Syndrome phenotype (0.0022), strongly suggesting that the variant is a benign polymorphism found primarily in populations of African or African-American origin. To our knowledge, no occurrence of c.646+14C>T in individuals affected with Barth Syndrome and no experimental evidence demonstrating its impact on protein function have been reported. No clinical diagnostic laboratories have submitted clinical-significance assessments for this variant to ClinVar after 2014. However, two clinical diagnostic laboratories have submitted clinical-significance assessments for this variant to ClinVar before 2014 and have settled on a classification as benign. Based on the evidence outlined above, the variant was classified as benign.

Illumina Laboratory Services, Illumina
Classification: Likely benign for Primary dilated cardiomyopathy. Last evaluated: 2018-01-12. Review status: criteria provided, single submitter. Criteria: ICSL Variant Classification Criteria 13 December 2019. Collection method: clinical testing. Allele origin: germline.
Comment: This variant was observed in the ICSL laboratory as part of a predisposition screen in an ostensibly healthy population. It had not been previously curated by ICSL or reported in the Human Gene Mutation Database (HGMD: prior to June 1st, 2018), and was therefore a candidate for classification through an automated scoring system. Utilizing variant allele frequency, disease prevalence and penetrance estimates, and inheritance mode, an automated score was calculated to assess if this variant is too frequent to cause the disease. Based on the score and internal cut-off values, a variant classified as likely benign is not then subjected to further curation. The score for this variant resulted in a classification of likely benign for this disease.

Illumina Laboratory Services, Illumina
Classification: Benign for Endocardial fibroelastosis. Last evaluated: 2018-01-12. Review status: criteria provided, single submitter. Criteria: ICSL Variant Classification Criteria 13 December 2019. Collection method: clinical testing. Allele origin: germline.
Comment: This variant was observed in the ICSL laboratory as part of a predisposition screen in an ostensibly healthy population. It had not been previously curated by ICSL or reported in the Human Gene Mutation Database (HGMD: prior to June 1st, 2018), and was therefore a candidate for classification through an automated scoring system. Utilizing variant allele frequency, disease prevalence and penetrance estimates, and inheritance mode, an automated score was calculated to assess if this variant is too frequent to cause the disease. Based on the score and internal cut-off values, a variant classified as benign is not then subjected to further curation. The score for this variant resulted in a classification of benign for this disease.

Illumina Laboratory Services, Illumina
Classification: Benign for 3-Methylglutaconic aciduria type 2. Last evaluated: 2018-01-12. Review status: criteria provided, single submitter. Criteria: ICSL Variant Classification Criteria 13 December 2019. Collection method: clinical testing. Allele origin: germline.
Comment: the same text as in the submission from Illumina Laboratory Services, Illumina above.

GeneDx
Classification: Benign. Last evaluated: 2014-02-12. Review status: criteria provided, single submitter. Criteria: GeneDx Variant Classification (06012015). Collection method: clinical testing. Allele origin: germline. Affected: yes.
Comment: This variant is considered likely benign or benign based on one or more of the following criteria: it is a conservative change, it occurs at a poorly conserved position in the protein, it is predicted to be benign by multiple in silico algorithms, and/or has population frequency not consistent with disease.

Laboratory for Molecular Medicine, Mass General Brigham Personalized Medicine
Classification: Benign. Last evaluated: 2013-08-11. Review status: criteria provided, single submitter. Criteria: LMM Criteria. Collection method: clinical testing. Allele origin: germline. Observed: 2 variant alleles.
Comment: 646+14C>T in intron 8 of TAZ: This variant is not expected to have clinical sign ificance because it is not located within the conserved splice consensus sequenc e. It has been identified in 0.8% (32/3835) of African American chromosomes from a broad population by the NHLBI Exome Sequencing Project (dbSNP rs191527230).

Clinical Genetics DNA and cytogenetics Diagnostics Lab, Erasmus MC, Erasmus Medical Center
Classification: Likely benign. Review status: no assertion criteria provided. Collection method: clinical testing. Allele origin: germline. Affected: yes. Study: VKGL Data-share Consensus. Not counted in ClinVar's aggregate classification.

Clinical Genetics, Academic Medical Center
Classification: Benign. Review status: no assertion criteria provided. Collection method: clinical testing. Allele origin: germline. Affected: yes. Study: VKGL Data-share Consensus. Not counted in ClinVar's aggregate classification.

NM_000116.5(TAFAZZIN):c.646+14C>T

Gene: TAFAZZIN (tafazzin, phospholipid-lysophospholipid transacylase; plus strand). Cytogenetic location: Xq28.
Variant type: single nucleotide variant.
Coding change: c.646+14C>T on transcript NM_000116.5 (MANE Select); 14 bases into the intron after coding-DNA position 646, C replaced by T.
Molecular consequence: intron variant.
Genome position (GRCh38, 1-based): chrX:154,420,108, C>T. VCF-style: chrX-154420108-C-T. GRCh37 (hg19) VCF-style: chrX-153648447-C-T.
Other names: c.658+14C>T (NM_001303465.2); c.604+14C>T (NM_181312.4); c.556+14C>T (NM_181311.4); c.514+14C>T (NM_181313.4).
Identifiers: ClinVar variation 139390 (VCV000139390.21), dbSNP rs191527230, ClinGen allele CA295820.